The following is an entry in ClinVar:

ClinVar aggregate classification (germline): Uncertain significance (1 of 4 stars; one submission).

Conditions:
TNC-related disorder. Also called: TNC-related condition.

gnomAD v4.1: 68 of 1,613,538 alleles (0.0042%); highest among the groups gnomAD compares: African/African-American, 0.036%; 1 homozygote.

Submission:

PreventionGenetics, part of Exact Sciences
Classification: Uncertain significance for TNC-related condition. Last evaluated: 2025-09-18. Review status: criteria provided, single submitter. Criteria: ACMG Guidelines, 2015. Collection method: clinical testing. Allele origin: germline.
Comment: The TNC c.670G>A variant is predicted to result in the amino acid substitution p.Asp224Asn. To our knowledge, this variant has not been reported in the literature. This variant is reported in 0.052% of alleles in individuals of South Asian descent in gnomAD. Although we suspect that this variant may be benign, at this time, the clinical significance of this variant is uncertain due to the absence of conclusive functional and genetic evidence.

NM_002160.4(TNC):c.670G>A (p.Asp224Asn)

Gene: TNC (tenascin C; minus strand). Cytogenetic location: 9q33.1.
Variant type: single nucleotide variant.
Coding change: c.670G>A on transcript NM_002160.4 (MANE Select); coding-DNA position 670, G replaced by A.
Protein change: p.Asp224Asn; replaces aspartic acid 224 with asparagine.
Molecular consequence: missense variant.
Genome position (GRCh38, 1-based): chr9:115,087,061, C>T on the plus strand (G>A on the coding strand, the complement: TNC is on the minus strand). VCF-style: chr9-115087061-C-T. GRCh37 (hg19) VCF-style: chr9-117849340-C-T.
Other names: c.670G>A, p.Asp224Asn (NM_001410991.1, NM_001439065.1, NM_001439066.1 and 35 more transcripts); short protein forms D224N.
Identifiers: ClinVar variation 4979145 (VCV004979145.1).